The following is an entry in ClinVar:

NM_001035.3(RYR2):c.10198G>T (p.Ala3400Ser)

Gene: RYR2 (ryanodine receptor 2; plus strand). Cytogenetic location: 1q43.
Variant type: single nucleotide variant.
Coding change: c.10198G>T on transcript NM_001035.3 (MANE Select); coding-DNA position 10198, G replaced by T.
Protein change: p.Ala3400Ser; replaces alanine 3400 with serine.
Molecular consequence: missense variant.
Genome position (GRCh38, 1-based): chr1:237,709,535, G>T. VCF-style: chr1-237709535-G-T. GRCh37 (hg19) VCF-style: chr1-237872835-G-T.
Other names: short protein forms A3400S.
Identifiers: ClinVar variation 2835267 (VCV002835267.3), dbSNP rs2547416502, ClinGen allele CA345411696.

ClinVar aggregate classification (germline): Uncertain significance (1 of 4 stars; one submission).

Conditions:
Catecholaminergic polymorphic ventricular tachycardia 1. Also called: VENTRICULAR TACHYCARDIA, CATECHOLAMINERGIC POLYMORPHIC, 1, WITH OR WITHOUT ATRIAL DYSFUNCTION AND/OR DILATED CARDIOMYOPATHY; VENTRICULAR TACHYCARDIA, STRESS-INDUCED POLYMORPHIC 1; RYR2-Related Catecholaminergic Polymorphic Ventricular Tachycardia. Identifiers: Orphanet 3286, MedGen C1631597, MONDO:0011484, OMIM 604772.

Submission:

Labcorp Genetics (formerly Invitae), Labcorp
Classification: Uncertain significance for Catecholaminergic polymorphic ventricular tachycardia 1. Last evaluated: 2023-02-10. Review status: criteria provided, single submitter. Criteria: Invitae Variant Classification Sherloc (09022015). Collection method: clinical testing. Allele origin: germline.
Comment: This sequence change replaces alanine, which is neutral and non-polar, with serine, which is neutral and polar, at codon 3400 of the RYR2 protein (p.Ala3400Ser). This variant is not present in population databases (gnomAD no frequency). This variant has not been reported in the literature in individuals affected with RYR2-related conditions. Algorithms developed to predict the effect of missense changes on protein structure and function (SIFT, PolyPhen-2, Align-GVGD) all suggest that this variant is likely to be disruptive. In summary, the available evidence is currently insufficient to determine the role of this variant in disease. Therefore, it has been classified as a Variant of Uncertain Significance.